The following is an entry in ClinVar:

NM_001366282.2(GOLGB1):c.2925A>T (p.Gly975=)

Gene: GOLGB1 (golgin B1; minus strand). Cytogenetic location: 3q13.33.
Variant type: single nucleotide variant.
Coding change: c.2925A>T on transcript NM_001366282.2 (MANE Select); coding-DNA position 2925, A replaced by T.
Protein change: p.Gly975=; no amino-acid change (glycine 975 retained).
Molecular consequence: synonymous variant.
Genome position (GRCh38, 1-based): chr3:121,697,598, T>A on the plus strand (A>T on the coding strand, the complement: GOLGB1 is on the minus strand). VCF-style: chr3-121697598-T-A. GRCh37 (hg19) VCF-style: chr3-121416445-T-A.
Other names: c.2925A>T, p.Gly975= (NM_001256486.2); c.2808A>T, p.Gly936= (NM_001256487.2); c.2685A>T, p.Gly895= (NM_001256488.2, NM_001366284.2); c.2802A>T, p.Gly934= (NM_001366283.2); c.2790A>T, p.Gly930= (NM_001389631.1); c.2910A>T, p.Gly970= (NM_004487.5).
Identifiers: ClinVar variation 2654071 (VCV002654071.24), dbSNP rs141877497, ClinGen allele CA2566411.

ClinVar aggregate classification (germline): Likely benign (1 of 4 stars; one submission).

Allele frequency attached by ClinVar (database versions not stated): TOPMed 0.00028; gnomAD 0.00036; 1000 Genomes Project 0.00040; gnomAD exomes 0.00059; 1000 Genomes Project 30x 0.00078; ExAC 0.00021; ESP Exome Variant Server 0.00023.
gnomAD v4.1: 900 of 1,613,644 alleles (0.056%); highest among the groups gnomAD compares: Non-Finnish European, 0.073%; 1 homozygote.

Submission:

CeGaT Center for Human Genetics Tuebingen
Classification: Likely benign. Last evaluated: 2022-05-01. Review status: criteria provided, single submitter. Criteria: CeGaT Center For Human Genetics Tuebingen Variant Classification Criteria Version 2. Collection method: clinical testing. Allele origin: germline. Affected: yes. Observed: 1 variant allele.
Comment: GOLGB1: BP4, BP7